The following is an entry in ClinVar:

NM_003072.5(SMARCA4):c.1091T>A (p.Val364Glu)

Gene: SMARCA4 (SWI/SNF related BAF chromatin remodeling complex subunit ATPase 4; plus strand). Cytogenetic location: 19p13.2.
Variant type: single nucleotide variant.
Coding change: c.1091T>A on transcript NM_003072.5 (MANE Select); coding-DNA position 1091, T replaced by A.
Protein change: p.Val364Glu; replaces valine 364 with glutamic acid.
Molecular consequence: missense variant. On other transcripts: non-coding transcript variant (1).
Genome position (GRCh38, 1-based): chr19:10,987,897, T>A. VCF-style: chr19-10987897-T-A. GRCh37 (hg19) VCF-style: chr19-11098573-T-A.
Other names: c.1091T>A, p.Val364Glu (NM_001128844.3, NM_001128845.2, NM_001128846.2 and 6 more transcripts); short protein forms V364E.
Identifiers: ClinVar variation 3446001 (VCV003446001.1).

ClinVar aggregate classification (germline): Uncertain significance (1 of 4 stars; one submission).

Conditions:
Hereditary cancer-predisposing syndrome. Also called: Tumor predisposition; Neoplastic Syndromes, Hereditary; Hereditary neoplastic syndrome; Hereditary Cancer Syndrome. Identifiers: Orphanet 140162, MedGen C0027672, MeSH D009386, MONDO:0015356.

Submission:

Ambry Genetics
Classification: Uncertain significance for Hereditary cancer-predisposing syndrome. Last evaluated: 2024-09-15. Review status: criteria provided, single submitter. Criteria: Ambry Variant Classification Scheme 2023. Collection method: clinical testing. Allele origin: germline.
Comment: The p.V364E variant (also known as c.1091T>A), located in coding exon 5 of the SMARCA4 gene, results from a T to A substitution at nucleotide position 1091. The valine at codon 364 is replaced by glutamic acid, an amino acid with dissimilar properties. This amino acid position is conserved. In addition, this alteration is predicted to be deleterious by in silico analysis. Based on the available evidence, the clinical significance of this variant remains unclear.